The following is an entry in ClinVar:

ClinVar aggregate classification (germline): Uncertain significance. Review status: criteria provided, multiple submitters, no conflicts (2 of 4 stars). 5 submissions from 5 submitters: Uncertain significance (4). 1 of the submissions does not count toward it. Last evaluated 2025-10-05.

Conditions:
Marfan syndrome (MFS). Also called: MARFAN SYNDROME, TYPE I; FBN1-Related Marfan Syndrome; Marfan syndrome type 1; Marfan's syndrome; Marfan syndrome, classic. Identifiers: Orphanet 284963, Orphanet 558, MedGen C0024796, MONDO:0007947, OMIM 154700.
Familial thoracic aortic aneurysm and aortic dissection (TAAD). Also called: Thoracic aortic aneurysms and dissections. Identifiers: Orphanet 91387, MedGen C4707243, MONDO:0019625.

Allele frequency attached by ClinVar (database versions not stated): gnomAD 0.00003; TOPMed 0.00001; ExAC 0.00002.
gnomAD v4.1: 44 of 1,613,738 alleles (0.0027%); highest among the groups gnomAD compares: Non-Finnish European, 0.0036%; no homozygotes.

Submissions (5):

Labcorp Genetics (formerly Invitae), Labcorp
Classification: Uncertain significance for Marfan syndrome; Familial thoracic aortic aneurysm and aortic dissection. Last evaluated: 2025-10-05. Review status: criteria provided, single submitter. Criteria: Invitae Variant Classification Sherloc (09022015). Collection method: clinical testing. Allele origin: germline.
Comment: This sequence change replaces glutamic acid, which is acidic and polar, with aspartic acid, which is acidic and polar, at codon 281 of the FBN1 protein (p.Glu281Asp). This variant is present in population databases (rs772218768, gnomAD 0.01%). This variant has not been reported in the literature in individuals affected with FBN1-related conditions. ClinVar contains an entry for this variant (Variation ID: 423542). Invitae Evidence Modeling of protein sequence and biophysical properties (such as structural, functional, and spatial information, amino acid conservation, physicochemical variation, residue mobility, and thermodynamic stability) indicates that this missense variant is not expected to disrupt FBN1 protein function with a negative predictive value of 95%. In summary, the available evidence is currently insufficient to determine the role of this variant in disease. Therefore, it has been classified as a Variant of Uncertain Significance.

Ambry Genetics
Classification: Uncertain significance for Familial thoracic aortic aneurysm and aortic dissection. Last evaluated: 2025-03-11. Review status: criteria provided, single submitter. Criteria: Ambry Variant Classification Scheme 2023. Collection method: clinical testing. Allele origin: germline.
Comment: The p.E281D variant (also known as c.843A>C), located in coding exon 7 of the FBN1 gene, results from an A to C substitution at nucleotide position 843. The glutamic acid at codon 281 is replaced by aspartic acid, an amino acid with highly similar properties. This amino acid position is well conserved in available vertebrate species. In addition, this alteration is predicted to be tolerated by in silico analysis. Based on the available evidence, the clinical significance of this variant remains unclear.

Color Diagnostics, LLC DBA Color Health
Classification: Uncertain significance for Familial thoracic aortic aneurysm and aortic dissection. Last evaluated: 2024-03-25. Review status: criteria provided, single submitter. Criteria: ACMG Guidelines, 2015. Collection method: clinical testing. Allele origin: germline.
Comment: This missense variant replaces glutamic acid with aspartic acid at codon 281 of the FBN1 protein. Computational prediction tools indicate that this variant has a neutral impact on protein structure and function. To our knowledge, functional studies have not been reported for this variant. This variant has not been reported in individuals affected with FBN1-related disorders in the literature. This variant has been identified in 6/282834 chromosomes in the general population by the Genome Aggregation Database (gnomAD). The available evidence is insufficient to determine the role of this variant in disease conclusively. Therefore, this variant is classified as a Variant of Uncertain Significance.

GeneDx
Classification: Uncertain significance. Last evaluated: 2017-09-06. Review status: criteria provided, single submitter. Criteria: GeneDx Variant Classification (06012015). Collection method: clinical testing. Allele origin: germline. Affected: yes.
Comment: The E281D variant of uncertain significance in the FBN1 gene has not been published as pathogenic or been reported as benign to our knowledge. This variant is not observed at a significant frequency in large population cohorts (Lek et al., 2016; 1000 Genomes Consortium et al., 2015; Exome Variant Server). This substitution occurs at a position that is conserved in mammals. However, the E281D variant is a conservative amino acid substitution, which is not likely to impact secondary protein structure as these residues share similar properties. In addition, although this variant resides within a calcium-binding EGF-like domain of the FBN1 gene, it does not affect a Cysteine residue. Cysteine substitutions in the calcium-binding EGF-like domains represent the majority of pathogenic missense changes associated with Marfan syndrome (Collod-Beroud et al., 2003). Finally, in silico analysis is inconsistent in its predictions as to whether or not the variant is damaging to the protein structure/function.

Center for Medical Genetics Ghent, University of Ghent
Classification: Uncertain significance for Marfan syndrome. Last evaluated: 2017-11-07. Review status: no assertion criteria provided. Collection method: clinical testing. Allele origin: germline. Affected: yes. Not counted in ClinVar's aggregate classification.

NM_000138.5(FBN1):c.843A>C (p.Glu281Asp)

Gene: FBN1 (fibrillin 1; minus strand). Cytogenetic location: 15q21.1.
Variant type: single nucleotide variant.
Coding change: c.843A>C on transcript NM_000138.5 (MANE Select); coding-DNA position 843, A replaced by C.
Protein change: p.Glu281Asp; replaces glutamic acid 281 with aspartic acid.
Molecular consequence: missense variant.
Genome position (GRCh38, 1-based): chr15:48,534,099, T>G on the plus strand (A>C on the coding strand, the complement: FBN1 is on the minus strand). VCF-style: chr15-48534099-T-G. GRCh37 (hg19) VCF-style: chr15-48826296-T-G.
Other names: short protein forms E281D.
Identifiers: ClinVar variation 423542 (VCV000423542.11), dbSNP rs772218768, ClinGen allele CA060012.